The following is an entry in ClinVar:

NM_000552.5(VWF):c.2009G>A (p.Arg670His)

Gene: VWF (von Willebrand factor; minus strand). Cytogenetic location: 12p13.31.
Variant type: single nucleotide variant.
Coding change: c.2009G>A on transcript NM_000552.5 (MANE Select); coding-DNA position 2009, G replaced by A.
Protein change: p.Arg670His; replaces arginine 670 with histidine.
Molecular consequence: missense variant.
Genome position (GRCh38, 1-based): chr12:6,052,720, C>T on the plus strand (G>A on the coding strand, the complement: VWF is on the minus strand). VCF-style: chr12-6052720-C-T. GRCh37 (hg19) VCF-style: chr12-6161886-C-T.
Other names: short protein forms R670H.
Identifiers: ClinVar variation 806803 (VCV000806803.42), dbSNP rs1022679972, ClinGen allele CA383495250.

ClinVar aggregate classification (germline): Uncertain significance. Review status: criteria provided, multiple submitters, no conflicts (2 of 4 stars). 2 submissions from 2 submitters: Uncertain significance (2). Last evaluated 2025-11-11.

Allele frequency attached by ClinVar (database versions not stated): gnomAD 0.00002; gnomAD exomes 0.00002; TOPMed 0.00002.
gnomAD v4.1: 35 of 1,614,016 alleles (0.0022%); highest among the groups gnomAD compares: Admixed American, 0.005%; no homozygotes.

Submissions (2):

Women's Health and Genetics/Laboratory Corporation of America, LabCorp
Classification: Uncertain significance. Last evaluated: 2025-11-11. Review status: criteria provided, single submitter. Criteria: LabCorp Variant Classification Summary - May 2015. Collection method: clinical testing. Allele origin: germline.
Comment: Variant summary: VWF c.2009G>A (p.Arg670His) results in a non-conservative amino acid change in the encoded protein sequence. Algorithms developed to predict the effect of missense changes on protein structure and function all suggest that this variant is likely to be disruptive. The variant allele was found at a frequency of 1.6e-05 in 251374 control chromosomes. The available data on variant occurrences in the general population are insufficient to allow any conclusion about variant significance. To our knowledge, no occurrence of c.2009G>A in individuals affected with VWF-related conditions and no experimental evidence demonstrating its impact on protein function have been reported. ClinVar contains an entry for this variant (Variation ID: 806803). Based on the evidence outlined above, the variant was classified as uncertain significance.

CeGaT Center for Human Genetics Tuebingen
Classification: Uncertain significance. Last evaluated: 2022-01-01. Review status: criteria provided, single submitter. Criteria: CeGaT Center For Human Genetics Tuebingen Variant Classification Criteria Version 2. Collection method: clinical testing. Allele origin: germline. Affected: yes. Observed: 3 variant alleles.